The following is an entry in ClinVar:

ClinVar aggregate classification (germline): Uncertain significance. Review status: criteria provided, multiple submitters, no conflicts (2 of 4 stars). 2 submissions from 2 submitters: Uncertain significance (2). Last evaluated 2026-06-18.

Allele frequency attached by ClinVar (database versions not stated): gnomAD exomes 0.00001; ExAC 0.00003.
gnomAD v4.1: 13 of 1,607,050 alleles (0.00081%); highest among the groups gnomAD compares: Admixed American, 0.02%; no homozygotes.

Submissions (2):

Women's Health and Genetics/Laboratory Corporation of America, LabCorp
Classification: Uncertain significance. Last evaluated: 2026-06-18. Review status: criteria provided, single submitter. Criteria: LabCorp Variant Classification Summary - May 2015. Collection method: clinical testing. Allele origin: germline.
Comment: Variant summary: MYH14 c.3457A>G (p.Lys1153Glu) results in a conservative amino acid change in the encoded protein sequence. Algorithms developed to predict the effect of missense changes on protein structure and function are either unavailable or do not agree on the potential impact of this missense change. The variant allele was found at a frequency of 4.3e-05 in 232074 control chromosomes. The observed variant frequency exceeds the estimated maximal expected allele frequency for disease-causing variants in MYH14. To our knowledge, no occurrence of c.3457A>G in individuals affected with MYH14-related conditions and no experimental evidence demonstrating its impact on protein function have been reported. ClinVar contains an entry for this variant (Variation ID: 2181848). Based on the evidence outlined above, the variant was classified as uncertain significance.

Labcorp Genetics (formerly Invitae), Labcorp
Classification: Uncertain significance. Last evaluated: 2025-09-10. Review status: criteria provided, single submitter. Criteria: Invitae Variant Classification Sherloc (09022015). Collection method: clinical testing. Allele origin: germline.
Comment: This sequence change replaces lysine, which is basic and polar, with glutamic acid, which is acidic and polar, at codon 1153 of the MYH14 protein (p.Lys1153Glu). This variant is present in population databases (rs772826690, gnomAD 0.03%). This variant has not been reported in the literature in individuals affected with MYH14-related conditions. ClinVar contains an entry for this variant (Variation ID: 2181848). Invitae Evidence Modeling of protein sequence and biophysical properties (such as structural, functional, and spatial information, amino acid conservation, physicochemical variation, residue mobility, and thermodynamic stability) indicates that this missense variant is expected to disrupt MYH14 protein function with a positive predictive value of 80%. In summary, the available evidence is currently insufficient to determine the role of this variant in disease. Therefore, it has been classified as a Variant of Uncertain Significance.

NM_001145809.2(MYH14):c.3580A>G (p.Lys1194Glu)

Gene: MYH14 (myosin heavy chain 14; plus strand). Cytogenetic location: 19q13.33.
Variant type: single nucleotide variant.
Coding change: c.3580A>G on transcript NM_001145809.2 (MANE Select); coding-DNA position 3580, A replaced by G.
Protein change: p.Lys1194Glu; replaces lysine 1194 with glutamic acid.
Molecular consequence: missense variant.
Genome position (GRCh38, 1-based): chr19:50,276,103, A>G. VCF-style: chr19-50276103-A-G. GRCh37 (hg19) VCF-style: chr19-50779360-A-G.
Other names: c.3481A>G, p.Lys1161Glu (NM_001077186.2); c.3457A>G, p.Lys1153Glu (NM_024729.4); short protein forms K1153E, K1194E, K1161E.
Identifiers: ClinVar variation 2181848 (VCV002181848.5), dbSNP rs772826690, ClinGen allele CA9593260.
Genomic context (GRCh38, chr19:50,276,103, plus strand): 5'-GCTCAAGCAGCCCTGGCCGAGGCCCAGGAGGACCTGGAGTCTGAGCGTGTGGCCAGGACC[A>G]AGGCGGAGAAGCAGCGCCGGGACCTGGGCGAGGAGCTGGAGGCGCTGCGGGGCGAGCTGG-3'
Protein context (NP_001139281.1, residues 1184-1204): DLESERVART[Lys1194Glu]AEKQRRDLGE